The following is an entry in ClinVar:

ClinVar aggregate classification (germline): Uncertain significance (1 of 4 stars; one submission).

Submission:

Labcorp Genetics (formerly Invitae), Labcorp
Classification: Uncertain significance. Last evaluated: 2024-03-13. Review status: criteria provided, single submitter. Criteria: Invitae Variant Classification Sherloc (09022015). Collection method: clinical testing. Allele origin: germline.
Comment: This sequence change replaces valine, which is neutral and non-polar, with methionine, which is neutral and non-polar, at codon 80 of the ADAMTS10 protein (p.Val80Met). This variant is not present in population databases (gnomAD no frequency). This variant has not been reported in the literature in individuals affected with ADAMTS10-related conditions. An algorithm developed to predict the effect of missense changes on protein structure and function (PolyPhen-2) suggests that this variant is likely to be disruptive. In summary, the available evidence is currently insufficient to determine the role of this variant in disease. Therefore, it has been classified as a Variant of Uncertain Significance.

NM_030957.4(ADAMTS10):c.238G>A (p.Val80Met)

Gene: ADAMTS10 (ADAM metallopeptidase with thrombospondin type 1 motif 10; minus strand). Cytogenetic location: 19p13.2.
Variant type: single nucleotide variant.
Coding change: c.238G>A on transcript NM_030957.4 (MANE Select); coding-DNA position 238, G replaced by A.
Protein change: p.Val80Met; replaces valine 80 with methionine.
Molecular consequence: missense variant.
Genome position (GRCh38, 1-based): chr19:8,605,209, C>T on the plus strand (G>A on the coding strand, the complement: ADAMTS10 is on the minus strand). VCF-style: chr19-8605209-C-T. GRCh37 (hg19) VCF-style: chr19-8670094-C-T.
Other names: short protein forms V80M.
Identifiers: ClinVar variation 3689814 (VCV003689814.2).